The following is an entry in ClinVar:

NM_007294.4(BRCA1):c.4987-31C>G

Gene: BRCA1 (BRCA1 DNA repair associated; minus strand). Cytogenetic location: 17q21.31.
Variant type: single nucleotide variant.
Coding change: c.4987-31C>G on transcript NM_007294.4 (MANE Select); 31 bases into the intron before coding-DNA position 4987, C replaced by G.
Molecular consequence: intron variant.
Genome position (GRCh38, 1-based): chr17:43,067,726, G>C on the plus strand (C>G on the coding strand, the complement: BRCA1 is on the minus strand). VCF-style: chr17-43067726-G-C. GRCh37 (hg19) VCF-style: chr17-41219743-G-C.
Other names: c.4774-31C>G (NM_001407899.1, NM_001407898.1, NM_001407902.1 and 12 more transcripts); c.1348-31C>G (NM_001408507.1); c.1432-31C>G (NM_001408495.1); c.1549-31C>G (NM_001408448.1, NM_001408447.1, NM_001408446.1 and 2 more transcripts); c.1558-31C>G (NM_001408421.1, NM_001408423.1, NM_001408424.1 and 1 more transcripts); c.1675-31C>G (NM_001407991.1, NM_001407986.1, NM_001407979.1 and 12 more transcripts); c.4981-31C>G (NM_001407631.1, NM_001407638.1, NM_001407630.1 and 14 more transcripts); c.1555-31C>G (NM_001408427.1, NM_001408429.1, NM_001408426.1 and 4 more transcripts); and 71 more.
Identifiers: ClinVar variation 2683816 (VCV002683816.1), dbSNP rs1466721291, ClinGen allele CA626081654.

ClinVar aggregate classification (germline): Uncertain significance (0 of 4 stars; one submission).

Conditions:
Breast-ovarian cancer, familial, susceptibility to, 1 (BROVCA1). Also called: BRCA1 Hereditary Breast and Ovarian Cancer; OVARIAN CANCER, SUSCEPTIBILITY TO. Identifiers: Orphanet 145, MedGen C2676676, MONDO:0011450, OMIM 604370. Disease mechanism: loss of function.

Allele frequency attached by ClinVar (database versions not stated): gnomAD exomes below 0.00001.
gnomAD v4.1: 1 of 1,540,108 alleles (0.000065%); highest among the groups gnomAD compares: Non-Finnish European, 0.00009%; no homozygotes.

Submission:

Department of Medical and Surgical Sciences, University of Bologna
Classification: Uncertain significance for Breast-ovarian cancer, familial, susceptibility to, 1. Last evaluated: 2023-09-01. Review status: no assertion criteria provided. Collection method: clinical testing. Allele origin: germline. Affected: yes.
Comment: PM2(Supporting)+BP4(Supporting)+BP7(Supporting) according to ACMG/AMP classification guidelines specified for BRCA1 & BRCA2 (Classification Criteria V1.0.0 2023-09-08) (PMID: 38160042)